The following is an entry in ClinVar:

NM_007294.4(BRCA1):c.1785del (p.Glu595fs)

Gene: BRCA1 (BRCA1 DNA repair associated; minus strand). Cytogenetic location: 17q21.31.
Variant type: Deletion.
Coding change: c.1785del on transcript NM_007294.4 (MANE Select); coding-DNA position 1785, one base deleted (A; older notation c.1785delA).
Protein change: p.Glu595fs; shifts the reading frame from glutamic acid 595.
Molecular consequence: frameshift variant. On other transcripts: intron variant (137).
Genome position (GRCh38, 1-based): chr17:43,093,746, T deleted on the plus strand (A on the coding strand, the reverse complement: BRCA1 is on the minus strand); the first of 2 consecutive T bases (chr17:43,093,746-43,093,747); deleting either gives the same sequence. VCF-style (leftmost placement, unchanged base first): chr17-43093745-GT-G. GRCh37 (hg19) VCF-style: chr17-41245762-GT-G.
Other names: c.787+998del (NM_001407973.1, NM_001407980.1, NM_001407993.1 and 19 more transcripts); c.404-2714del (NM_001408511.1); c.1704del, p.Glu568fs (NM_001407660.1, NM_001407661.1, NM_001407662.1 and 1 more transcripts); c.1707del, p.Glu569fs (NM_001407663.1, NM_001407653.1, NM_001407654.1 and 4 more transcripts); c.1662del, p.Glu554fs (NM_001407664.1, NM_001407665.1, NM_001407863.1 and 19 more transcripts); c.646+998del (NM_001408457.1, NM_001408460.1, NM_001408454.1 and 11 more transcripts); c.667+2100del (NM_001408421.1, NM_001408431.1, NM_001408424.1); c.784+998del (NM_001407991.1, NM_001408397.1, NM_001408401.1 and 13 more transcripts); and 41 more; short protein forms E548fs, E595fs, E427fs, E524fs, E525fs, E547fs, E299fs, E467fs.
Identifiers: ClinVar variation 573017 (VCV000573017.8), dbSNP rs1567798263, ClinGen allele CA891844204.

ClinVar aggregate classification (germline): Pathogenic (1 of 4 stars; one submission).

Conditions:
Hereditary breast ovarian cancer syndrome. Also called: BRCA1- and BRCA2-Associated Hereditary Breast and Ovarian Cancer; Hereditary breast and ovarian cancer; Hereditary breast and/or ovarian cancer syndrome; Hereditary breast and ovarian cancer syndrome; Hereditary breast and ovarian cancer syndrome (HBOC); Breast and ovarian cancer. Identifiers: Orphanet 145, MedGen C0677776, MeSH D061325, MONDO:0003582. Disease mechanism: loss of function.

Submission:

Labcorp Genetics (formerly Invitae), Labcorp
Classification: Pathogenic for Hereditary breast ovarian cancer syndrome. Last evaluated: 2018-01-06. Review status: criteria provided, single submitter. Criteria: Invitae Variant Classification Sherloc (09022015). Collection method: clinical testing. Allele origin: germline.
Comment: Loss-of-function variants in BRCA1 are known to be pathogenic (PMID: 20104584). This variant has not been reported in the literature in individuals with BRCA1-related disease. This variant is not present in population databases (ExAC no frequency). This sequence change creates a premature translational stop signal (p.Glu595Aspfs*4) in the BRCA1 gene. It is expected to result in an absent or disrupted protein product. For these reasons, this variant has been classified as Pathogenic.

Literature cited by the submitters: PubMed 20104584.